The following is an entry in ClinVar:

ClinVar aggregate classification (germline): Conflicting classifications of pathogenicity. Review status: criteria provided, conflicting classifications (1 of 4 stars). 5 submissions from 5 submitters: Uncertain significance (1); Benign (1); Likely benign (3). Last evaluated 2024-08-29.

Conditions:
Hereditary cancer-predisposing syndrome. Also called: Neoplastic Syndromes, Hereditary; Tumor predisposition; Hereditary Cancer Syndrome; Hereditary neoplastic syndrome. Identifiers: Orphanet 140162, MedGen C0027672, MeSH D009386, MONDO:0015356.
Classic or attenuated familial adenomatous polyposis. Identifiers: MedGen CN372698, MONDO:0021057.
Familial adenomatous polyposis 1 (FAP1). Also called: FAMILIAL ADENOMATOUS POLYPOSIS 1, ATTENUATED; POLYPOSIS, ADENOMATOUS INTESTINAL. Identifiers: MedGen C2713442, MONDO:0021056, OMIM 175100. Disease mechanism: loss of function.

Submissions (5):

All of Us Research Program, National Institutes of Health
Classification: Likely benign for Classic or attenuated familial adenomatous polyposis. Last evaluated: 2024-08-29. Review status: criteria provided, single submitter. Criteria: ACMG Guidelines, 2015. Collection method: clinical testing. Allele origin: germline. Inheritance: Autosomal dominant inheritance. Observed: 1 variant allele, 1 heterozygote.
Comment: This study involves interpretation of variants in research participants for the purpose of population health screening. Participant phenotype was not available at the time of variant classification. Additional details can be found in publication PMID: 35346344, PMCID: PMC8962531

Quest Diagnostics Nichols Institute San Juan Capistrano
Classification: Uncertain significance. Last evaluated: 2024-07-24. Review status: criteria provided, single submitter. Criteria: Quest Diagnostics criteria. Collection method: clinical testing. Allele origin: unknown.
Comment: The APC c.3831A>G (p.Leu1277=) synonymous variant has not been reported in individuals with APC-related conditions in the published literature. It also has not been reported in large, multi-ethnic general populations (Genome Aggregation Database). Analysis of this variant using software algorithms for the prediction of the effect of nucleotide changes on splicing yielded predictions that this variant does not affect APC mRNA splicing. Based on the available information, we are unable to determine the clinical significance of this variant.

Myriad Genetics, Inc.
Classification: Benign for Familial adenomatous polyposis 1. Last evaluated: 2024-03-22. Review status: criteria provided, single submitter. Criteria: Myriad Autosomal Dominant, Autosomal Recessive and X-Linked Classification Criteria (2023). Collection method: clinical testing. Allele origin: unknown.
Comment: This variant is considered benign. This variant is a silent/synonymous amino acid change and it is not expected to impact splicing.

Ambry Genetics
Classification: Likely benign for Hereditary cancer-predisposing syndrome. Last evaluated: 2023-11-29. Review status: criteria provided, single submitter. Criteria: Ambry Variant Classification Scheme 2023. Collection method: clinical testing. Allele origin: germline.

Color Diagnostics, LLC DBA Color Health
Classification: Likely benign for Hereditary cancer-predisposing syndrome. Last evaluated: 2019-04-09. Review status: criteria provided, single submitter. Criteria: ACMG Guidelines, 2015. Collection method: clinical testing. Allele origin: germline.

NM_000038.6(APC):c.3831A>G (p.Leu1277=)

Gene: APC (APC regulator of Wnt signaling pathway; plus strand). Cytogenetic location: 5q22.2.
Variant type: single nucleotide variant.
Coding change: c.3831A>G on transcript NM_000038.6 (MANE Select); coding-DNA position 3831, A replaced by G.
Protein change: p.Leu1277=; no amino-acid change (leucine 1277 retained).
Molecular consequence: synonymous variant.
Genome position (GRCh38, 1-based): chr5:112,839,425, A>G. VCF-style: chr5-112839425-A-G. GRCh37 (hg19) VCF-style: chr5-112175122-A-G.
Other names: c.3831A>G, p.Leu1277= (NM_001127510.3, NM_001354895.2); c.3777A>G, p.Leu1259= (NM_001127511.3); c.3885A>G, p.Leu1295= (NM_001354896.2); c.3558A>G, p.Leu1186= (NM_001354902.2); c.3528A>G, p.Leu1176= (NM_001354903.2); c.3861A>G, p.Leu1287= (NM_001354897.2); c.3756A>G, p.Leu1252= (NM_001354898.2); c.3747A>G, p.Leu1249= (NM_001354899.2); and 5 more.
Identifiers: ClinVar variation 926118 (VCV000926118.5), dbSNP rs1765533502, ClinGen allele CA445963725.